The following is an entry in ClinVar:

ClinVar aggregate classification (germline): Uncertain significance. Review status: criteria provided, single submitter (1 of 4 stars). 3 submissions from 3 submitters: Uncertain significance (1). 2 of the submissions do not count toward it. Last evaluated 2021-01-21.

Conditions:
Inborn genetic diseases. Identifiers: MedGen C0950123, MeSH D030342.

Allele frequency attached by ClinVar (database versions not stated): gnomAD 0.00001; TOPMed 0.00002; 1000 Genomes Project 0.00040; 1000 Genomes Project 30x 0.00047.
gnomAD v4.1: 177 of 1,613,618 alleles (0.011%); highest among the groups gnomAD compares: South Asian, 0.18%; 2 homozygotes.

Submissions (3):

Ambry Genetics
Classification: Uncertain significance for Inborn genetic diseases. Last evaluated: 2021-01-21. Review status: criteria provided, single submitter. Criteria: Ambry Variant Classification Scheme 2023. Collection method: clinical testing. Allele origin: germline.
Comment: The p.I3622V variant (also known as c.10864A>G), located in coding exon 59 of the DST gene, results from an A to G substitution at nucleotide position 10864. The isoleucine at codon 3622 is replaced by valine, an amino acid with highly similar properties. This amino acid position is highly conserved in available vertebrate species. In addition, this alteration is predicted to be tolerated by in silico analysis. Since supporting evidence is limited at this time, the clinical significance of this alteration remains unclear.

Clinical Genetics DNA and cytogenetics Diagnostics Lab, Erasmus MC, Erasmus Medical Center
Classification: Uncertain significance. Review status: no assertion criteria provided. Collection method: clinical testing. Allele origin: germline. Affected: yes. Study: VKGL Data-share Consensus. Not counted in ClinVar's aggregate classification.

Clinical Genetics, Academic Medical Center
Classification: Uncertain significance. Review status: no assertion criteria provided. Collection method: clinical testing. Allele origin: germline. Affected: yes. Study: VKGL Data-share Consensus. Not counted in ClinVar's aggregate classification.

NM_001374736.1(DST):c.17221A>G (p.Ile5741Val)

Gene: DST (dystonin; minus strand). Cytogenetic location: 6p12.1.
Variant type: single nucleotide variant.
Coding change: c.17221A>G on transcript NM_001374736.1 (MANE Select); coding-DNA position 17221, A replaced by G.
Protein change: p.Ile5741Val; replaces isoleucine 5741 with valine.
Molecular consequence: missense variant.
Genome position (GRCh38, 1-based): chr6:56,530,021, T>C on the plus strand (A>G on the coding strand, the complement: DST is on the minus strand). VCF-style: chr6-56530021-T-C. GRCh37 (hg19) VCF-style: chr6-56394819-T-C.
Other names: c.10864A>G, p.Ile3622Val (NM_001144769.5); c.10450A>G, p.Ile3484Val (NM_001144770.2); c.17221A>G, p.Ile5741Val (NM_001374722.1); c.16588A>G, p.Ile5530Val (NM_001374729.1); c.10330A>G, p.Ile3444Val (NM_001374730.1, NM_001386100.1, NM_183380.4); c.17248A>G, p.Ile5750Val (NM_001374734.1); c.9352A>G, p.Ile3118Val (NM_015548.5); short protein forms I3118V, I3444V, I3484V, I3622V, I5530V, I5741V, I5750V.
Identifiers: ClinVar variation 1284780 (VCV001284780.5), dbSNP rs535045295, ClinGen allele CA3867490.